The following is an entry in ClinVar:

NM_004304.5(ALK):c.2756G>A (p.Gly919Glu)

Gene: ALK (ALK receptor tyrosine kinase; minus strand). Cytogenetic location: 2p23.2.
Variant type: single nucleotide variant.
Coding change: c.2756G>A on transcript NM_004304.5 (MANE Select); coding-DNA position 2756, G replaced by A.
Protein change: p.Gly919Glu; replaces glycine 919 with glutamic acid.
Molecular consequence: missense variant.
Genome position (GRCh38, 1-based): chr2:29,228,943, C>T on the plus strand (G>A on the coding strand, the complement: ALK is on the minus strand). VCF-style: chr2-29228943-C-T. GRCh37 (hg19) VCF-style: chr2-29451809-C-T.
Other names: short protein forms G919E.
Identifiers: ClinVar variation 3855669 (VCV003855669.1).

ClinVar aggregate classification (germline): Uncertain significance (1 of 4 stars; one submission).

Conditions:
Hereditary cancer-predisposing syndrome. Also called: Hereditary neoplastic syndrome; Neoplastic Syndromes, Hereditary; Tumor predisposition; Hereditary Cancer Syndrome. Identifiers: Orphanet 140162, MedGen C0027672, MeSH D009386, MONDO:0015356.

gnomAD v4.1: 1 of 1,575,964 alleles (0.000063%); highest among the groups gnomAD compares: Non-Finnish European, 0.000087%; no homozygotes.

Submission:

Ambry Genetics
Classification: Uncertain significance for Hereditary cancer-predisposing syndrome. Last evaluated: 2025-02-06. Review status: criteria provided, single submitter. Criteria: Ambry Variant Classification Scheme 2023. Collection method: clinical testing. Allele origin: germline.
Comment: The p.G919E variant (also known as c.2756G>A), located in coding exon 16 of the ALK gene, results from a G to A substitution at nucleotide position 2756. The glycine at codon 919 is replaced by glutamic acid, an amino acid with similar properties. This amino acid position is conserved. In addition, the in silico prediction for this alteration is inconclusive. Based on the available evidence, the clinical significance of this variant remains unclear.